The following is an entry in ClinVar:

NM_000138.5(FBN1):c.6311A>G (p.Asp2104Gly)

Gene: FBN1 (fibrillin 1; minus strand). Cytogenetic location: 15q21.1.
Variant type: single nucleotide variant.
Coding change: c.6311A>G on transcript NM_000138.5 (MANE Select); coding-DNA position 6311, A replaced by G.
Protein change: p.Asp2104Gly; replaces aspartic acid 2104 with glycine.
Molecular consequence: missense variant.
Genome position (GRCh38, 1-based): chr15:48,437,770, T>C on the plus strand (A>G on the coding strand, the complement: FBN1 is on the minus strand). VCF-style: chr15-48437770-T-C. GRCh37 (hg19) VCF-style: chr15-48729967-T-C.
Other names: c.6311A>G, p.Asp2104Gly (NM_001406716.1); short protein forms D2104G.
Identifiers: ClinVar variation 3386774 (VCV003386774.1).

ClinVar aggregate classification (germline): Uncertain significance (1 of 4 stars; one submission).

Conditions:
Marfan syndrome (MFS). Also called: MARFAN SYNDROME, TYPE I; Marfan syndrome type 1; Marfan's syndrome; FBN1-Related Marfan Syndrome; Marfan syndrome, classic. Identifiers: Orphanet 284963, Orphanet 558, MedGen C0024796, MONDO:0007947, OMIM 154700.

Submission:

All of Us Research Program, National Institutes of Health
Classification: Uncertain significance for Marfan syndrome. Last evaluated: 2024-03-24. Review status: criteria provided, single submitter. Criteria: ACMG Guidelines, 2015. Collection method: clinical testing. Allele origin: germline. Inheritance: Autosomal dominant inheritance. Observed: 1 variant allele, 1 heterozygote.
Comment: This missense variant replaces aspartic acid with glycine at codon 2104 of the FBN1 protein. Computational prediction is inconclusive regarding the impact of this variant on protein structure and function (internally defined REVEL score threshold 0.5 < inconclusive < 0.7, PMID: 27666373). To our knowledge, functional studies have not been reported for this variant. This variant has not been reported in individuals affected with FBN1-related disorders in the literature. This variant has not been identified in the general population by the Genome Aggregation Database (gnomAD). The available evidence is insufficient to determine the role of this variant in disease conclusively. Therefore, this variant is classified as a Variant of Uncertain Significance.

This study involves interpretation of variants in research participants for the purpose of population health screening. Participant phenotype was not available at the time of variant classification. Additional details can be found in publication PMID: 35346344, PMCID: PMC8962531